The following is an entry in ClinVar:

ClinVar aggregate classification (germline): Benign/Likely benign. Review status: criteria provided, multiple submitters, no conflicts (2 of 4 stars). 3 submissions from 3 submitters: Benign (1); Likely benign (2). Last evaluated 2026-01-26.

Allele frequency attached by ClinVar (database versions not stated): 1000 Genomes Project 30x 0.00109; 1000 Genomes Project 0.00140; TOPMed 0.00267; gnomAD 0.00372 and 0.00378; ESP Exome Variant Server 0.00402; gnomAD exomes 0.00446 and 0.00455; ExAC 0.00564.
gnomAD v4.1: 7,150 of 1,607,774 alleles (0.44%); highest among the groups gnomAD compares: Non-Finnish European, 0.47%; 28 homozygotes.

Submissions (3):

Labcorp Genetics (formerly Invitae), Labcorp
Classification: Benign. Last evaluated: 2026-01-26. Review status: criteria provided, single submitter. Criteria: Invitae Variant Classification Sherloc (09022015). Collection method: clinical testing. Allele origin: germline.

Blueprint Genetics
Classification: Likely benign. Last evaluated: 2024-11-22. Review status: criteria provided, single submitter. Criteria: ACMG Guidelines, 2015. Collection method: clinical testing. Allele origin: germline.

CeGaT Center for Human Genetics Tuebingen
Classification: Likely benign. Last evaluated: 2023-01-01. Review status: criteria provided, single submitter. Criteria: CeGaT Center For Human Genetics Tuebingen Variant Classification Criteria Version 2. Collection method: clinical testing. Allele origin: germline. Affected: yes. Observed: 2 variant alleles.
Comment: GAS1: BP4, BP7

NM_002048.3(GAS1):c.741G>A (p.Glu247=)

Gene: GAS1 (growth arrest specific 1; minus strand). Cytogenetic location: 9q21.33.
Variant type: single nucleotide variant.
Coding change: c.741G>A on transcript NM_002048.3 (MANE Select); coding-DNA position 741, G replaced by A.
Protein change: p.Glu247=; no amino-acid change (glutamic acid 247 retained).
Molecular consequence: synonymous variant.
Genome position (GRCh38, 1-based): chr9:86,946,039, C>T on the plus strand (G>A on the coding strand, the complement: GAS1 is on the minus strand). VCF-style: chr9-86946039-C-T. GRCh37 (hg19) VCF-style: chr9-89560954-C-T.
Identifiers: ClinVar variation 781669 (VCV000781669.34), dbSNP rs150545553, ClinGen allele CA5109403.